The following is an entry in ClinVar:

NM_004006.3(DMD):c.4568_4569dup (p.Lys1524Ter)

Gene: DMD (dystrophin; minus strand). Cytogenetic location: Xp21.1.
Variant type: Duplication.
Coding change: c.4568_4569dup on transcript NM_004006.3 (MANE Select); coding-DNA positions 4568 to 4569, 2 bases duplicated (TA; older notation c.4568_4569dupTA).
Protein change: p.Lys1524Ter; replaces lysine 1524 with a stop codon.
Molecular consequence: nonsense.
Genome position (GRCh38, 1-based): chrX:32,386,415-32,386,416, TA duplicated on the plus strand (TA on the coding strand, the reverse complement: DMD is on the minus strand); duplicating any 2 consecutive bases within chrX:32,386,415-32,386,417 gives the same sequence; the c. name uses the placement nearest the transcript's 3' end. VCF-style (leftmost placement, unchanged base first): chrX-32386414-T-TTA. GRCh37 (hg19) VCF-style: chrX-32404531-T-TTA.
Other names: c.4544_4545dup, p.Lys1516Ter (NM_000109.4); c.4556_4557dup, p.Lys1520Ter (NM_004009.3); c.4199_4200dup, p.Lys1401Ter (NM_004010.3); c.545_546dup, p.Lys183Ter (NM_004011.4); c.536_537dup, p.Lys180Ter (NM_004012.4); short protein forms K1516*, K180*, K183*, K1520*, K1401*, K1524*.
Identifiers: ClinVar variation 817006 (VCV000817006.1), dbSNP rs1603632246, ClinGen allele CA915950971.

ClinVar aggregate classification (germline): Pathogenic (1 of 4 stars; one submission).

Submission:

GeneDx
Classification: Pathogenic. Last evaluated: 2018-07-03. Review status: criteria provided, single submitter. Criteria: GeneDx Variant Classification (06012015). Collection method: clinical testing. Allele origin: germline. Affected: yes.
Comment: The c.4568_4569dupTA variant causes a frameshift starting with codon Lysine 1524 and changes this amino acid to a premature Stop codon, denoted p.Lys1524Ter. This variant is predicted to cause loss of normal protein function either through protein truncation or nonsense-mediated mRNA decay. The c.4568_4569dupTA variant is not observed in large population cohorts (Lek et al., 2016). Although this pathogenic variant has not been previously reported to our knowledge, other loss-of-function variants in the DMD gene have been reported in the Human Gene Mutation Database in association with dystrophinopathy (Stenson et al., 2014). We consider c.4568_4569dupTA a pathogenic variant.